The following is an entry in ClinVar:

NM_001128840.3(CACNA1D):c.5474G>A (p.Arg1825Gln)

Gene: CACNA1D (calcium voltage-gated channel subunit alpha1 D; plus strand). Cytogenetic location: 3p21.1.
Variant type: single nucleotide variant.
Coding change: c.5474G>A on transcript NM_001128840.3 (MANE Select); coding-DNA position 5474, G replaced by A.
Protein change: p.Arg1825Gln; replaces arginine 1825 with glutamine.
Molecular consequence: missense variant.
Genome position (GRCh38, 1-based): chr3:53,803,461, G>A. VCF-style: chr3-53803461-G-A. GRCh37 (hg19) VCF-style: chr3-53837488-G-A.
Other names: c.5534G>A, p.Arg1845Gln (NM_000720.4); c.5402G>A, p.Arg1801Gln (NM_001128839.3); short protein forms R1801Q, R1845Q, R1825Q.
Identifiers: ClinVar variation 1368652 (VCV001368652.6), dbSNP rs139829141, ClinGen allele CA2455159.

ClinVar aggregate classification (germline): Uncertain significance (1 of 4 stars; one submission).

Allele frequency attached by ClinVar (database versions not stated): gnomAD 0.00009 and 0.00010; gnomAD exomes 0.00011 and 0.00012; ExAC 0.00012; TOPMed 0.00013; ESP Exome Variant Server 0.00015; 1000 Genomes Project 30x 0.00016; 1000 Genomes Project 0.00020.
gnomAD v4.1: 176 of 1,614,194 alleles (0.011%); highest among the groups gnomAD compares: South Asian, 0.023%; 2 homozygotes.

Submission:

Labcorp Genetics (formerly Invitae), Labcorp
Classification: Uncertain significance. Last evaluated: 2025-10-18. Review status: criteria provided, single submitter. Criteria: Invitae Variant Classification Sherloc (09022015). Collection method: clinical testing. Allele origin: germline.
Comment: This sequence change replaces arginine, which is basic and polar, with glutamine, which is neutral and polar, at codon 1845 of the CACNA1D protein (p.Arg1845Gln). This variant is present in population databases (rs139829141, gnomAD 0.04%), including at least one homozygous and/or hemizygous individual. This variant has not been reported in the literature in individuals affected with CACNA1D-related conditions. ClinVar contains an entry for this variant (Variation ID: 1368652). An algorithm developed to predict the effect of missense changes on protein structure and function (PolyPhen-2) suggests that this variant is likely to be tolerated. In summary, the available evidence is currently insufficient to determine the role of this variant in disease. Therefore, it has been classified as a Variant of Uncertain Significance.